The following is an entry in ClinVar:

ClinVar aggregate classification (germline): Uncertain significance (1 of 4 stars; one submission).

Conditions:
Pheochromocytoma/paraganglioma syndrome 3. Also called: GLOMUS TUMORS, FAMILIAL, 3; Paragangliomas 3; SDHC-Related Hereditary Paraganglioma-Pheochromocytoma Syndrome (Paragangliomas 3); SDHC-Related Hereditary Paraganglioma-Pheochromocytoma Syndrome. Identifiers: Orphanet 29072, MedGen C1854336, MONDO:0011544, OMIM 605373.
Gastrointestinal stromal tumor. Also called: Gastrointestinal stroma tumor; Gastrointestinal stromal tumor, somatic. Identifiers: Orphanet 44890, MedGen C0238198, MeSH D046152, MONDO:0011719, OMIM 606764, HP:0100723.

Submission:

Labcorp Genetics (formerly Invitae), Labcorp
Classification: Uncertain significance for Pheochromocytoma/paraganglioma syndrome 3; Gastrointestinal stromal tumor. Last evaluated: 2022-05-16. Review status: criteria provided, single submitter. Criteria: Invitae Variant Classification Sherloc (09022015). Collection method: clinical testing. Allele origin: germline.
Comment: In summary, the available evidence is currently insufficient to determine the role of this variant in disease. Therefore, it has been classified as a Variant of Uncertain Significance. Algorithms developed to predict the effect of missense changes on protein structure and function are either unavailable or do not agree on the potential impact of this missense change (SIFT: "Deleterious"; PolyPhen-2: "Probably Damaging"; Align-GVGD: "Class C0"). This variant has not been reported in the literature in individuals affected with SDHC-related conditions. This variant is not present in population databases (gnomAD no frequency). This sequence change replaces asparagine, which is neutral and polar, with aspartic acid, which is acidic and polar, at codon 45 of the SDHC protein (p.Asn45Asp).

NM_003001.5(SDHC):c.133A>G (p.Asn45Asp)

Gene: SDHC (succinate dehydrogenase complex subunit C; plus strand). Cytogenetic location: 1q23.3.
Variant type: single nucleotide variant.
Coding change: c.133A>G on transcript NM_003001.5 (MANE Select); coding-DNA position 133, A replaced by G.
Protein change: p.Asn45Asp; replaces asparagine 45 with aspartic acid.
Molecular consequence: missense variant. On other transcripts: non-coding transcript variant (1), intron variant (4).
Genome position (GRCh38, 1-based): chr1:161,328,451, A>G. VCF-style: chr1-161328451-A-G. GRCh37 (hg19) VCF-style: chr1-161298241-A-G.
Other names: c.133A>G, p.Asn45Asp (NM_001035511.3, NM_001407115.1); c.76A>G, p.Asn26Asp (NM_001407116.1, NM_001407117.1, NM_001407121.1); c.22A>G, p.Asn8Asp (NM_001407119.1, NM_001407120.1); c.77+4781A>G (NM_001035512.3, NM_001278172.3, NM_001407118.1); c.21-12143A>G (NM_001035513.3); short protein forms N8D, N26D, N45D.
Identifiers: ClinVar variation 1994749 (VCV001994749.4), dbSNP rs2526364926, ClinGen allele CA343361141.